The following is an entry in ClinVar:

ClinVar aggregate classification (germline): Conflicting classifications of pathogenicity. Review status: criteria provided, conflicting classifications (1 of 4 stars). 3 submissions from 3 submitters: Pathogenic (1); Likely pathogenic (1); Uncertain significance (1). Last evaluated 2026-02-01.

Conditions:
Uruguay Faciocardiomusculoskeletal syndrome. Identifiers: MedGen C1846010, MONDO:0010292, OMIM 300280.
X-linked scapuloperoneal muscular dystrophy. Also called: SCAPULOPERONEAL MYOPATHY, FHL1-RELATED. Identifiers: Orphanet 431272, MedGen C2678061, MONDO:0010400, OMIM 300695.
Myopathy, reducing body, X-linked, childhood-onset (RBMX1B). Also called: REDUCING BODY MYOPATHY, X-LINKED 1B, WITH LATE CHILDHOOD OR ADULT ONSET. Identifiers: Orphanet 97239, MedGen C4225159, MONDO:0010415, OMIM 300718.
X-linked myopathy with postural muscle atrophy. Also called: FHL1-Related Emery-Dreifuss Muscular Dystrophy, X-Linked. Identifiers: Orphanet 178461, MedGen C2678055, MONDO:0010401, OMIM 300696.
Myopathy, reducing body, X-linked, early-onset, severe (RBMX1A). Also called: REDUCING BODY MYOPATHY, X-LINKED 1, SEVERE, WITH INFANTILE OR EARLY CHILDHOOD ONSET. Identifiers: Orphanet 97239, MedGen C4225423, MONDO:0010414, OMIM 300717.
Cardiovascular phenotype. Identifiers: MedGen CN230736.

Submissions (3):

Labcorp Genetics (formerly Invitae), Labcorp
Classification: Pathogenic for X-linked myopathy with postural muscle atrophy. Last evaluated: 2026-02-01. Review status: criteria provided, single submitter. Criteria: Invitae Variant Classification Sherloc (09022015). Collection method: clinical testing. Allele origin: germline.
Comment: This sequence change is expected to alter the c-terminus of the FHL1 protein (p.Cys255Metfs*29). While this is not anticipated to result in nonsense mediated decay, it is expected to disrupt the last 26 amino acid(s) of the FHL1 protein and extend the protein by 2 additional amino acid residues. This variant is not present in population databases (gnomAD no frequency). This variant has not been reported in the literature in individuals affected with FHL1-related conditions. ClinVar contains an entry for this variant (Variation ID: 944147). This variant results in an extension of the FHL1 protein. Other variant(s) that result in a similarly extended protein product (p.Cys273Leufs*11) have been determined to be pathogenic (PMID: 19716112, 24634512). This suggests that these extensions are likely to be disease-causing. For these reasons, this variant has been classified as Pathogenic.

Fulgent Genetics
Classification: Likely pathogenic for Uruguay Faciocardiomusculoskeletal syndrome; X-linked scapuloperoneal muscular dystrophy; X-linked myopathy with postural muscle atrophy; Myopathy, reducing body, X-linked, early-onset, severe; Myopathy, reducing body, X-linked, childhood-onset. Last evaluated: 2024-06-20. Review status: criteria provided, single submitter. Criteria: ACMG Guidelines, 2015. Collection method: clinical testing. Allele origin: germline.

Ambry Genetics
Classification: Uncertain significance for Cardiovascular phenotype. Last evaluated: 2022-07-01. Review status: criteria provided, single submitter. Criteria: Ambry Variant Classification Scheme 2023. Collection method: clinical testing. Allele origin: germline.
Comment: The c.762dupA variant, located in coding exon 5 of the FHL1 gene, results from a duplication of A at nucleotide position 762, causing a translational frameshift with a predicted alternate stop codon (p.C255Mfs*29). This alteration occurs at the 3' terminus of theFHL1 gene, is not expected to trigger nonsense-mediated mRNAdecay, and only impacts the last 26 amino acids of the protein. The exact functional effect of this alteration is unknown. Since supporting evidence is limited at this time, the clinical significance of this alteration remains unclear.

Literature cited by the submitters: PubMed 19716112 (cited by Labcorp Genetics (formerly Invitae), Labcorp); PubMed 24634512 (cited by Labcorp Genetics (formerly Invitae), Labcorp).

NM_001159699.2(FHL1):c.810dup (p.Cys271fs)

Gene: FHL1 (four and a half LIM domains 1; plus strand). Cytogenetic location: Xq26.3.
Variant type: Duplication.
Coding change: c.810dup on transcript NM_001159699.2 (MANE Select); coding-DNA position 810, one base duplicated (A; older notation c.810dupA).
Protein change: p.Cys271fs; shifts the reading frame from cysteine 271.
Molecular consequence: frameshift variant. On other transcripts: non-coding transcript variant (1).
Genome position (GRCh38, 1-based): chrX:136,209,944, A duplicated; the last of 6 consecutive A bases (chrX:136,209,939-136,209,944); duplicating any one gives the same sequence. VCF-style (leftmost placement, unchanged base first): chrX-136209938-C-CA. GRCh37 (hg19) VCF-style: chrX-135292097-C-CA.
Other names: c.762dup, p.Cys255fs (NM_001159700.2, NM_001159704.1, NM_001167819.1 and 4 more transcripts); c.849dup, p.Cys284fs (NM_001159701.2); c.962dup, p.Asn321fs (NM_001159702.3, NM_001369326.1, NM_001369327.2 and 1 more transcripts); c.575dup, p.Asn192fs (NM_001159703.2); c.623dup, p.Asn208fs (NM_001330659.2); c.762dupA (NM_001449.4); short protein forms C255fs, C284fs, N192fs, N321fs, C271fs, N208fs.
Identifiers: ClinVar variation 944147 (VCV000944147.14), dbSNP rs2073964376, ClinGen allele CA1139667813.